The following is an entry in ClinVar:

ClinVar aggregate classification (germline): Uncertain significance (1 of 4 stars; one submission).

Allele frequency attached by ClinVar (database versions not stated): TOPMed below 0.00001.

Submission:

Labcorp Genetics (formerly Invitae), Labcorp
Classification: Uncertain significance. Last evaluated: 2022-10-13. Review status: criteria provided, single submitter. Criteria: Invitae Variant Classification Sherloc (09022015). Collection method: clinical testing. Allele origin: germline.
Comment: This sequence change falls in intron 31 of the ADGRV1 gene. It does not directly change the encoded amino acid sequence of the ADGRV1 protein. It affects a nucleotide within the consensus splice site. This variant is not present in population databases (gnomAD no frequency). This variant has not been reported in the literature in individuals affected with ADGRV1-related conditions. Variants that disrupt the consensus splice site are a relatively common cause of aberrant splicing (PMID: 17576681, 9536098). Algorithms developed to predict the effect of sequence changes on RNA splicing suggest that this variant is not likely to affect RNA splicing. In summary, the available evidence is currently insufficient to determine the role of this variant in disease. Therefore, it has been classified as a Variant of Uncertain Significance.

Literature cited by the submitters: PubMed 17576681; PubMed 9536098.

NM_032119.4(ADGRV1):c.6951+6A>G

Gene: ADGRV1 (adhesion G protein-coupled receptor V1; plus strand). Cytogenetic location: 5q14.3.
Variant type: single nucleotide variant.
Coding change: c.6951+6A>G on transcript NM_032119.4 (MANE Select); 6 bases into the intron after coding-DNA position 6951, A replaced by G.
Molecular consequence: intron variant.
Genome position (GRCh38, 1-based): chr5:90,691,047, A>G. VCF-style: chr5-90691047-A-G. GRCh37 (hg19) VCF-style: chr5-89986864-A-G.
Identifiers: ClinVar variation 2017561 (VCV002017561.4), dbSNP rs1746402146, ClinGen allele CA1562858569.